The following is an entry in ClinVar:

NM_001252024.2(TRPM1):c.3652T>A (p.Leu1218Met)

Gene: TRPM1 (transient receptor potential cation channel subfamily M member 1; minus strand). Cytogenetic location: 15q13.3.
Variant type: single nucleotide variant.
Coding change: c.3652T>A on transcript NM_001252024.2 (MANE Select); coding-DNA position 3652, T replaced by A.
Protein change: p.Leu1218Met; replaces leucine 1218 with methionine.
Molecular consequence: missense variant.
Genome position (GRCh38, 1-based): chr15:31,003,048, A>T on the plus strand (T>A on the coding strand, the complement: TRPM1 is on the minus strand). VCF-style: chr15-31003048-A-T. GRCh37 (hg19) VCF-style: chr15-31295251-A-T.
Other names: c.3703T>A, p.Leu1235Met (NM_001252020.2); c.3586T>A, p.Leu1196Met (NM_002420.6); short protein forms L1196M, L1218M, L1235M.
Identifiers: ClinVar variation 2078940 (VCV002078940.4), dbSNP rs2543116475, ClinGen allele CA391532344.

ClinVar aggregate classification (germline): Uncertain significance (1 of 4 stars; one submission).

Submission:

Labcorp Genetics (formerly Invitae), Labcorp
Classification: Uncertain significance. Last evaluated: 2022-01-11. Review status: criteria provided, single submitter. Criteria: Invitae Variant Classification Sherloc (09022015). Collection method: clinical testing. Allele origin: germline.
Comment: In summary, the available evidence is currently insufficient to determine the role of this variant in disease. Therefore, it has been classified as a Variant of Uncertain Significance. Algorithms developed to predict the effect of missense changes on protein structure and function are either unavailable or do not agree on the potential impact of this missense change (SIFT: "Deleterious"; PolyPhen-2: "Possibly Damaging"; Align-GVGD: "Class C0"). This variant has not been reported in the literature in individuals affected with TRPM1-related conditions. This variant is not present in population databases (gnomAD no frequency). This sequence change replaces leucine, which is neutral and non-polar, with methionine, which is neutral and non-polar, at codon 1196 of the TRPM1 protein (p.Leu1196Met).